The following is an entry in ClinVar:

NM_001130009.3(GEN1):c.59G>T (p.Arg20Leu)

Gene: GEN1 (GEN1 structure-specific endonuclease; plus strand). Cytogenetic location: 2p24.2.
Variant type: single nucleotide variant.
Coding change: c.59G>T on transcript NM_001130009.3 (MANE Select); coding-DNA position 59, G replaced by T.
Protein change: p.Arg20Leu; replaces arginine 20 with leucine.
Molecular consequence: missense variant.
Genome position (GRCh38, 1-based): chr2:17,760,002, G>T. VCF-style: chr2-17760002-G-T. GRCh37 (hg19) VCF-style: chr2-17941269-G-T.
Other names: c.59G>T (NM_001130009.1); c.59G>T, p.Arg20Leu (NM_182625.5); short protein forms R20L.
Identifiers: ClinVar variation 2886016 (VCV002886016.5), dbSNP rs375511356, ClinGen allele CA1540300.

ClinVar aggregate classification (germline): Uncertain significance. Review status: criteria provided, multiple submitters, no conflicts (2 of 4 stars). 2 submissions from 2 submitters: Uncertain significance (2). Last evaluated 2025-06-10.

gnomAD v4.1: 10 of 1,613,926 alleles (0.00062%); highest among the groups gnomAD compares: Non-Finnish European, 0.00076%; no homozygotes.

Submissions (2):

Labcorp Genetics (formerly Invitae), Labcorp
Classification: Uncertain significance. Last evaluated: 2025-06-10. Review status: criteria provided, single submitter. Criteria: Invitae Variant Classification Sherloc (09022015). Collection method: clinical testing. Allele origin: germline.
Comment: This sequence change replaces arginine, which is basic and polar, with leucine, which is neutral and non-polar, at codon 20 of the GEN1 protein (p.Arg20Leu). This variant is present in population databases (rs375511356, gnomAD 0.002%). This variant has not been reported in the literature in individuals affected with GEN1-related conditions. ClinVar contains an entry for this variant (Variation ID: 2886016). An algorithm developed to predict the effect of missense changes on protein structure and function (PolyPhen-2) suggests that this variant is likely to be tolerated. In summary, the available evidence is currently insufficient to determine the role of this variant in disease. Therefore, it has been classified as a Variant of Uncertain Significance.

Ambry Genetics
Classification: Uncertain significance. Last evaluated: 2025-03-20. Review status: criteria provided, single submitter. Criteria: Ambry Variant Classification Scheme 2023. Collection method: clinical testing. Allele origin: germline.